The following is an entry in ClinVar:

ClinVar aggregate classification (germline): Uncertain significance (0 of 4 stars; one submission).

Submission:

Genetic Services Laboratory, University of Chicago
Classification: Uncertain significance. Last evaluated: 2022-06-13. Review status: no assertion criteria provided. Collection method: clinical testing. Allele origin: germline. Affected: no.
Comment: DNA sequence analysis of the PDSS1 gene demonstrated a sequence change, c.751A>G, in exon 8 that results in an amino acid change, p.Asn251Asp. This sequence change does not appear to have been previously described in individuals with PDSS1-related disorders and has also not been described in population databases such as ExAC and gnomAD. The p.Asn251Asp change affects a moderately conserved amino acid residue located in a domain of the PDSS1 protein that is known to be functional. The p.Asn251Asp substitution appears to be benign using several in-silico pathogenicity prediction tools (SIFT, PolyPhen2, Align GVGD, REVEL). Due to insufficient evidences and the lack of functional studies, the clinical significance of the p.Asn251Asp change remains unknown at this time.

NM_014317.5(PDSS1):c.751A>G (p.Asn251Asp)

Gene: PDSS1 (decaprenyl diphosphate synthase subunit 1; plus strand). Cytogenetic location: 10p12.1.
Variant type: single nucleotide variant.
Coding change: c.751A>G on transcript NM_014317.5 (MANE Select); coding-DNA position 751, A replaced by G.
Protein change: p.Asn251Asp; replaces asparagine 251 with aspartic acid.
Molecular consequence: missense variant.
Genome position (GRCh38, 1-based): chr10:26,724,043, A>G. VCF-style: chr10-26724043-A-G. GRCh37 (hg19) VCF-style: chr10-27012972-A-G.
Other names: c.751A>G, p.Asn251Asp (NM_001321978.2); c.241A>G, p.Asn81Asp (NM_001321979.2); short protein forms N251D, N81D.
Identifiers: ClinVar variation 2443205 (VCV002443205.2), dbSNP rs2491583777, ClinGen allele CA376348629.
Genomic context (GRCh38, chr10:26,724,043, plus strand): 5'-CCTCTCAAATGACTCCTTTCCTTCTTTATAGGTGAATTTCTTCAGCTCGGGTCAAAAGAA[A>G]ATGAGAATGAAAGATTTGCACACTACCTTGAGAAGACATTCAAGAAGACCGCCAGCCTGA-3'
Protein context (NP_055132.2, residues 241-261): GEFLQLGSKE[Asn251Asp]ENERFAHYLE